The following is an entry in ClinVar:

ClinVar aggregate classification (germline): Uncertain significance (1 of 4 stars; one submission).

Submission:

Labcorp Genetics (formerly Invitae), Labcorp
Classification: Uncertain significance. Last evaluated: 2022-11-23. Review status: criteria provided, single submitter. Criteria: Invitae Variant Classification Sherloc (09022015). Collection method: clinical testing. Allele origin: germline.
Comment: Advanced modeling of protein sequence and biophysical properties (such as structural, functional, and spatial information, amino acid conservation, physicochemical variation, residue mobility, and thermodynamic stability) performed at Invitae indicates that this missense variant is not expected to disrupt MYH9 protein function. This variant has not been reported in the literature in individuals affected with MYH9-related conditions. This variant is not present in population databases (gnomAD no frequency). In summary, the available evidence is currently insufficient to determine the role of this variant in disease. Therefore, it has been classified as a Variant of Uncertain Significance. This sequence change replaces lysine, which is basic and polar, with arginine, which is basic and polar, at codon 821 of the MYH9 protein (p.Lys821Arg).

NM_002473.6(MYH9):c.2462A>G (p.Lys821Arg)

Gene: MYH9 (myosin heavy chain 9; minus strand). Cytogenetic location: 22q12.3.
Variant type: single nucleotide variant.
Coding change: c.2462A>G on transcript NM_002473.6 (MANE Select); coding-DNA position 2462, A replaced by G.
Protein change: p.Lys821Arg; replaces lysine 821 with arginine.
Molecular consequence: missense variant.
Genome position (GRCh38, 1-based): chr22:36,302,605, T>C on the plus strand (A>G on the coding strand, the complement: MYH9 is on the minus strand). VCF-style: chr22-36302605-T-C. GRCh37 (hg19) VCF-style: chr22-36698651-T-C.
Other names: short protein forms K821R.
Identifiers: ClinVar variation 2816003 (VCV002816003.3), dbSNP rs2517972629, ClinGen allele CA411395026.